The following is an entry in ClinVar:

NM_015541.3(LRIG1):c.1843A>G (p.Met615Val)

Gene: LRIG1 (leucine rich repeats and immunoglobulin like domains 1; minus strand). Cytogenetic location: 3p14.1.
Variant type: single nucleotide variant.
Coding change: c.1843A>G on transcript NM_015541.3 (MANE Select); coding-DNA position 1843, A replaced by G.
Protein change: p.Met615Val; replaces methionine 615 with valine.
Molecular consequence: missense variant.
Genome position (GRCh38, 1-based): chr3:66,384,219, T>C on the plus strand (A>G on the coding strand, the complement: LRIG1 is on the minus strand). VCF-style: chr3-66384219-T-C. GRCh37 (hg19) VCF-style: chr3-66434643-T-C.
Other names: c.1768A>G, p.Met590Val (NM_001377344.1); c.1063A>G, p.Met355Val (NM_001377345.1, NM_001377346.1); c.841A>G, p.Met281Val (NM_001377347.1); c.814A>G, p.Met272Val (NM_001377348.1); c.559A>G, p.Met187Val (NM_001377349.1); short protein forms M615V, M187V, M272V, M281V, M355V, M590V.
Identifiers: ClinVar variation 403055 (VCV000403055.7), dbSNP rs2306272, ClinGen allele CA2484584.

ClinVar aggregate classification (germline): Benign. Review status: criteria provided, multiple submitters, no conflicts (2 of 4 stars). 3 submissions from 3 submitters: Benign (2). 1 of the submissions does not count toward it. Last evaluated 2016-03-29.

Conditions:
LRIG1-related disorder. Also called: LRIG1-related condition.

Allele frequency attached by ClinVar (database versions not stated): ESP Exome Variant Server 0.23028; gnomAD 0.24919 and 0.26191; TOPMed 0.26023; gnomAD exomes 0.29674 and 0.31204; ExAC 0.31331; 1000 Genomes Project 30x 0.35525; 1000 Genomes Project 0.36222.
gnomAD v4.1: 474,665 of 1,613,766 alleles (29%); highest among the groups gnomAD compares: East Asian, 72%; 76,066 homozygotes.

Submissions (3):

Laboratory for Molecular Medicine, Mass General Brigham Personalized Medicine
Classification: Benign. Last evaluated: 2016-03-29. Review status: criteria provided, single submitter. Criteria: LMM Criteria. Collection method: clinical testing. Allele origin: germline.
Comment: Variant identified in a genome or exome case(s) and assessed due to predicted null impact of the variant or pathogenic assertions in the literature or databases. Disclaimer: This variant has not undergone full assessment. The following are preliminary notes: Frequency

Breakthrough Genomics
Classification: Benign. Review status: criteria provided, single submitter. Criteria: ACMG Guidelines, 2015. Collection method: not provided. Allele origin: germline. Inheritance: Unknown mechanism. Affected: yes.

PreventionGenetics, part of Exact Sciences
Classification: Benign for LRIG1-related condition. Last evaluated: 2019-10-17. Review status: no assertion criteria provided. Collection method: clinical testing. Allele origin: germline. Not counted in ClinVar's aggregate classification.
Comment: This variant is classified as benign based on ACMG/AMP sequence variant interpretation guidelines (Richards et al. 2015 PMID: 25741868, with internal and published modifications).